The following is an entry in ClinVar:

NM_001371623.1(TCOF1):c.165-2A>G

Gene: TCOF1 (treacle ribosome biogenesis factor 1; plus strand). Cytogenetic location: 5q32.
Variant type: single nucleotide variant.
Coding change: c.165-2A>G on transcript NM_001371623.1 (MANE Select); the canonical splice acceptor site of the intron before coding-DNA position 165, A replaced by G.
Molecular consequence: splice acceptor variant.
Genome position (GRCh38, 1-based): chr5:150,364,111, A>G. VCF-style: chr5-150364111-A-G. GRCh37 (hg19) VCF-style: chr5-149743674-A-G.
Other names: c.165-2A>G (NM_001135243.2, NM_001135244.2, NM_001195141.2 and 4 more transcripts).
Identifiers: ClinVar variation 4886925 (VCV004886925.1).

ClinVar aggregate classification (germline): Pathogenic (1 of 4 stars; one submission).

Conditions:
Treacher Collins syndrome 1 (TCS1). Also called: TCOF1-Related Treacher Collins Syndrome. Identifiers: Orphanet 861, MedGen CN315775, MONDO:0007944, OMIM 154500.

Submission:

Cellular and Molecular Biology and Microbiology, Division of Genetics, University of Isfahan
Classification: Pathogenic for Treacher Collins syndrome 1. Review status: criteria provided, single submitter. Criteria: ACMG Guidelines, 2015. Collection method: clinical testing. Allele origin: unknown. Affected: yes. Observed: 1 variant allele, 1 heterozygote.